The following is an entry in ClinVar:

NM_014727.3(KMT2B):c.12_24dup (p.Ser9fs)

Gene: KMT2B (lysine methyltransferase 2B; plus strand). Cytogenetic location: 19q13.12.
Variant type: Duplication.
Coding change: c.12_24dup on transcript NM_014727.3 (MANE Select); coding-DNA positions 12 to 24, 13 bases duplicated (GGCGGGCGGCGGC).
Protein change: p.Ser9fs; shifts the reading frame from serine 9.
Molecular consequence: frameshift variant, initiator codon variant.
Genome position (GRCh38, 1-based): chr19:35,718,030-35,718,042, GGCGGGCGGCGGC duplicated; duplicating any 13 consecutive bases within chr19:35,718,021-35,718,042 gives the same sequence; the c. name uses the placement nearest the transcript's 3' end. VCF-style (leftmost placement, unchanged base first): chr19-35718020-T-TGGCGGCGGCGGCG. GRCh37 (hg19) VCF-style: chr19-36208922-T-TGGCGGCGGCGGCG.
Other names: c.12_24dup13 (NM_014727.2); c.12_24dupGGCGGGCGGCGGC (NM_014727.2, NM_014727.1); short protein forms S9fs.
Identifiers: ClinVar variation 450816 (VCV000450816.47), dbSNP rs1555727493, ClinGen allele CA658658806.

ClinVar aggregate classification (germline): Pathogenic. Review status: criteria provided, multiple submitters, no conflicts (2 of 4 stars). 6 submissions from 6 submitters: Pathogenic (6). Last evaluated 2023-08-01.

Conditions:
Inborn genetic diseases. Identifiers: MedGen C0950123, MeSH D030342.
Intellectual developmental disorder, autosomal dominant 68 (MRD68). Also called: MENTAL RETARDATION, AUTOSOMAL DOMINANT 68. Identifiers: MedGen C5677008, MONDO:0030969, OMIM 619934.
Dystonia 28, childhood-onset (DYT28). Also called: KMT2B-Related Dystonia (DYT-KMT2B). Identifiers: Orphanet 589618, MedGen C4310633, MONDO:0015004, OMIM 617284.
KMT2B-related disorder. Also called: KMT2B-related condition; KMT2B-related disorders. Identifiers: MedGen CN381338.

Submissions (6):

Ambry Genetics
Classification: Pathogenic for Inborn genetic diseases. Last evaluated: 2023-08-01. Review status: criteria provided, single submitter. Criteria: Ambry Variant Classification Scheme 2023. Collection method: clinical testing. Allele origin: germline.
Comment: The c.12_24dup13 (p.S9Gfs*111) alteration, located in exon 1 (coding exon 1) of the KMT2B gene, consists of a duplication of GGCGGGCGGCGGC at position 12, causing a translational frameshift with a predicted alternate stop codon after 111 amino acids. This alteration is expected to result in loss of function by premature protein truncation or nonsense-mediated mRNA decay. This variant was not reported in population-based cohorts in the Genome Aggregation Database (gnomAD). This alteration was reported de novo in an individual with features consistent with KMT2B-related early-onset complex dystonia (Cif, 2020). Based on the available evidence, this alteration is classified as pathogenic.

Blueprint Genetics
Classification: Pathogenic for KMT2B-related disorders. Last evaluated: 2022-05-23. Review status: criteria provided, single submitter. Criteria: ACMG Guidelines, 2015. Collection method: clinical testing. Allele origin: germline. Affected: yes. Observed: 1 variant allele.

CeGaT Center for Human Genetics Tuebingen
Classification: Pathogenic. Last evaluated: 2021-12-01. Review status: criteria provided, single submitter. Criteria: CeGaT Center For Human Genetics Tuebingen Variant Classification Criteria Version 2. Collection method: clinical testing. Allele origin: germline. Affected: yes. Observed: 1 variant allele.

Undiagnosed Diseases Network, NIH
Classification: Pathogenic for Dystonia 28, childhood-onset. Last evaluated: 2019-04-18. Review status: criteria provided, single submitter. Criteria: ACMG Guidelines, 2015. Collection method: clinical testing. Allele origin: de novo. Inheritance: Autosomal dominant inheritance. Affected: yes. Observed: 1 variant allele, 1 heterozygote.

GeneDx
Classification: Pathogenic. Last evaluated: 2019-03-19. Review status: criteria provided, single submitter. Criteria: GeneDx Variant Classification Process June 2021. Collection method: clinical testing. Allele origin: germline. Affected: yes.
Comment: Frameshift variant predicted to result in protein truncation or nonsense mediated decay in a gene for which loss-of-function is a known mechanism of disease; Not observed in large population cohorts (Lek et al., 2016); This variant is associated with the following publications: (PMID: 33150406)

Juno Genomics, Hangzhou Juno Genomics, Inc
Classification: Pathogenic for Dystonia 28, childhood-onset; Intellectual developmental disorder, autosomal dominant 68. Review status: criteria provided, single submitter. Criteria: ACMG Guidelines, 2015. Collection method: clinical testing. Allele origin: germline. Affected: yes.
Comment: Absent from controls (or at extremely low frequency if recessive) in Genome Aggregation Database, Exome Sequencing Project, 1000 Genomes Project, or Exome Aggregation Consortium.;Null variant in a gene where loss of function (LOF) is a known mechanism of disease.;De novo (both maternity and paternity confirmed) in a patient with the disease and no family history.

Literature cited by the submitters: PubMed 33150406 (cited by Ambry Genetics).